The following is an entry in ClinVar:

NM_020632.3(ATP6V0A4):c.37T>C (p.Ser13Pro)

Genes: ATP6V0A4 (ATPase H+ transporting V0 subunit a4; minus strand), LOC129389889 (MPRA-validated peak6777 silencer; plus strand). Cytogenetic location: 7q34.
Variant type: single nucleotide variant.
Coding change: c.37T>C on transcript NM_020632.3 (MANE Select); coding-DNA position 37, T replaced by C.
Protein change: p.Ser13Pro; replaces serine 13 with proline.
Molecular consequence: missense variant.
Genome position (GRCh38, 1-based): chr7:138,771,211, A>G on the plus strand (T>C on the coding strand, the complement: ATP6V0A4 is on the minus strand). VCF-style: chr7-138771211-A-G. GRCh37 (hg19) VCF-style: chr7-138455956-A-G.
Other names: c.37T>C, p.Ser13Pro (NM_130840.3, NM_130841.3); short protein forms S13P.
Identifiers: ClinVar variation 2786209 (VCV002786209.2), dbSNP rs1807367509, ClinGen allele CA369380137.

ClinVar aggregate classification (germline): Uncertain significance (1 of 4 stars; one submission).

Allele frequency attached by ClinVar (database versions not stated): gnomAD exomes 0.00001.

Submission:

Labcorp Genetics (formerly Invitae), Labcorp
Classification: Uncertain significance. Last evaluated: 2024-03-10. Review status: criteria provided, single submitter. Criteria: Invitae Variant Classification Sherloc (09022015). Collection method: clinical testing. Allele origin: germline.
Comment: This sequence change replaces serine, which is neutral and polar, with proline, which is neutral and non-polar, at codon 13 of the ATP6V0A4 protein (p.Ser13Pro). This variant is not present in population databases (gnomAD no frequency). This variant has not been reported in the literature in individuals affected with ATP6V0A4-related conditions. Advanced modeling of protein sequence and biophysical properties (such as structural, functional, and spatial information, amino acid conservation, physicochemical variation, residue mobility, and thermodynamic stability) performed at Invitae indicates that this missense variant is not expected to disrupt ATP6V0A4 protein function with a negative predictive value of 80%. In summary, the available evidence is currently insufficient to determine the role of this variant in disease. Therefore, it has been classified as a Variant of Uncertain Significance.